The following is an entry in ClinVar:

NM_000051.4(ATM):c.6463_6478dup (p.Lys2160delinsSerGlyArgAspValTer)

Genes: ATM (ATM serine/threonine kinase; plus strand), C11orf65 (chromosome 11 open reading frame 65; minus strand). Cytogenetic location: 11q22.3.
Variant type: Duplication.
Coding change: c.6463_6478dup on transcript NM_000051.4 (MANE Select); coding-DNA positions 6463 to 6478, 16 bases duplicated (GTGGAAGAGATGTGTA).
Protein change: p.Lys2160delinsSerGlyArgAspValTer.
Molecular consequence: nonsense. On other transcripts: frameshift variant (1), intron variant (2).
Genome position (GRCh38, 1-based): chr11:108,321,311-108,321,326, GTGGAAGAGATGTGTA duplicated; duplicating any 16 consecutive bases within chr11:108,321,310-108,321,326 gives the same sequence; the c. name uses the placement nearest the transcript's 3' end. VCF-style (leftmost placement, unchanged base first): chr11-108321309-A-AAGTGGAAGAGATGTGT. GRCh37 (hg19) VCF-style: chr11-108192036-A-AAGTGGAAGAGATGTGT.
Other names: c.6463_6478dup16 (NM_000051.3); c.6463_6478dup, p.Lys2160delinsSerGlyArgAspValTer (NM_001351834.2); c.641-12254_641-12239dup (NM_001330368.2); c.*39-12254_*39-12239dup (NM_001351110.2).
Identifiers: ClinVar variation 407653 (VCV000407653.8), dbSNP rs1555117084, ClinGen allele CA16613471.
Genomic context (GRCh38, chr11:108,321,309, plus strand): 5'-CCCTGAAAACCTCTTCTTTATTTTCAGAGTGTCTTTTCTTTTTTGCTACTAGAGTAAAAG[A>AAGTGGAAGAGATGTGT]AGTGGAAGAGATGTGTAAGCGCAGCCTTGAGTCTGTGTATTCGCTCTATCCCACACTTAG-3'

ClinVar aggregate classification (germline): Pathogenic (1 of 4 stars; one submission).

Conditions:
Ataxia-telangiectasia syndrome (AT). Also called: LOUIS-BAR SYNDROME; Cerebello-oculocutaneous telangiectasia; Immunodeficiency with ataxia telangiectasia; Ataxia-telangiectasia, complementation group D; AT, COMPLEMENTATION GROUP C; Ataxia-telangiectasia, complementation group E. Identifiers: Orphanet 100, MedGen C0004135, MONDO:0008840, OMIM 208900.

Submission:

Labcorp Genetics (formerly Invitae), Labcorp
Classification: Pathogenic for Ataxia-telangiectasia syndrome. Last evaluated: 2016-10-25. Review status: criteria provided, single submitter. Criteria: Invitae Variant Classification Sherloc (09022015). Collection method: clinical testing. Allele origin: germline.
Comment: For these reasons, this variant has been classified as Pathogenic. While this particular variant has not been reported in the literature, loss-of-function variants in ATM are known to be pathogenic (PMID: 10817650, 19781682). This sequence change inserts 16 nucleotide in exon 45 of the ATM mRNA (c.6463_6478dup16), causing a frameshift at codon 2160. This creates a premature translational stop signal (p.Lys2160Serfs*6) and is expected to result in an absent or disrupted protein product.

Literature cited by the submitters: PubMed 10817650; PubMed 19781682.